The following is an entry in ClinVar:

NM_000465.4(BARD1):c.2021G>A (p.Gly674Glu)

Gene: BARD1 (BRCA1 associated RING domain 1; minus strand). Cytogenetic location: 2q35.
Variant type: single nucleotide variant.
Coding change: c.2021G>A on transcript NM_000465.4 (MANE Select); coding-DNA position 2021, G replaced by A.
Protein change: p.Gly674Glu; replaces glycine 674 with glutamic acid.
Molecular consequence: missense variant. On other transcripts: non-coding transcript variant (3).
Genome position (GRCh38, 1-based): chr2:214,728,989, C>T on the plus strand (G>A on the coding strand, the complement: BARD1 is on the minus strand). VCF-style: chr2-214728989-C-T. GRCh37 (hg19) VCF-style: chr2-215593713-C-T.
Other names: c.2021G>A (NM_000465.2); c.1964G>A, p.Gly655Glu (NM_001282543.2); c.668G>A, p.Gly223Glu (NM_001282545.2); c.611G>A, p.Gly204Glu (NM_001282548.2); c.482G>A, p.Gly161Glu (NM_001282549.2); short protein forms G223E, G161E, G204E, G655E, G674E.
Identifiers: ClinVar variation 958740 (VCV000958740.11), dbSNP rs1692229510, ClinGen allele CA350450790.
Genomic context (GRCh38, chr2:214,728,989, plus strand): 5'-AGCTTAATAAGGTTGTCCTTTGGATGGTGTTTGAAGGTTCCCCACAAATAGAAGTAGCAT[C>T]CATCAAACAGCTTTGGCAACTGAAATAATGAGAAAACATTTGTTAAAGGCAGATCAAAAT-3'
Protein context (NP_000456.2, residues 664-684): REQLLPKLFD[Gly674Glu]CYFYLWGTFK

ClinVar aggregate classification (germline): Uncertain significance. Review status: criteria provided, multiple submitters, no conflicts (2 of 4 stars). 2 submissions from 2 submitters: Uncertain significance (2). Last evaluated 2024-04-25.

Conditions:
Hereditary cancer-predisposing syndrome. Also called: Tumor predisposition; Hereditary neoplastic syndrome; Neoplastic Syndromes, Hereditary; Hereditary Cancer Syndrome. Identifiers: Orphanet 140162, MedGen C0027672, MeSH D009386, MONDO:0015356.
Familial cancer of breast. Also called: BREAST CANCER, FAMILIAL; Hereditary breast cancer; hereditary breast carcinoma. Identifiers: Orphanet 227535, MedGen C0346153, MONDO:0016419, OMIM 114480. Disease mechanism: loss of function.

Submissions (2):

Ambry Genetics
Classification: Uncertain significance for Hereditary cancer-predisposing syndrome. Last evaluated: 2024-04-25. Review status: criteria provided, single submitter. Criteria: Ambry Variant Classification Scheme 2023. Collection method: clinical testing. Allele origin: germline.
Comment: The p.G674E variant (also known as c.2021G>A), located in coding exon 11 of the BARD1 gene, results from a G to A substitution at nucleotide position 2021. The glycine at codon 674 is replaced by glutamic acid, an amino acid with similar properties. This amino acid position is highly conserved in available vertebrate species. In addition, the in silico prediction for this alteration is inconclusive. Based on the available evidence, the clinical significance of this variant remains unclear.

Labcorp Genetics (formerly Invitae), Labcorp
Classification: Uncertain significance for Familial cancer of breast. Last evaluated: 2019-08-06. Review status: criteria provided, single submitter. Criteria: Invitae Variant Classification Sherloc (09022015). Collection method: clinical testing. Allele origin: germline.
Comment: In summary, the available evidence is currently insufficient to determine the role of this variant in disease. Therefore, it has been classified as a Variant of Uncertain Significance. Algorithms developed to predict the effect of missense changes on protein structure and function (SIFT, PolyPhen-2, Align-GVGD) all suggest that this variant is likely to be disruptive, but these predictions have not been confirmed by published functional studies and their clinical significance is uncertain. This variant has not been reported in the literature in individuals with BARD1-related conditions. This variant is not present in population databases (ExAC no frequency). This sequence change replaces glycine with glutamic acid at codon 674 of the BARD1 protein (p.Gly674Glu). The glycine residue is highly conserved and there is a moderate physicochemical difference between glycine and glutamic acid.